The following is an entry in ClinVar:

ClinVar aggregate classification (germline): Likely pathogenic (1 of 4 stars; one submission).

Conditions:
Cardiovascular phenotype. Identifiers: MedGen CN230736.

Submission:

Ambry Genetics
Classification: Likely pathogenic for Cardiovascular phenotype. Last evaluated: 2026-01-16. Review status: criteria provided, single submitter. Criteria: Ambry Variant Classification Scheme 2023. Collection method: clinical testing. Allele origin: germline.
Comment: The c.191_196delACAGTGinsCCAGTT (p.Y64_A66delinsSSS) alteration, located in exon 3 (coding exon 2) of the KRAS gene, results from an in-frame deletion of ACAGTG and insertion of CCAGTT at nucleotide positions 191 to 196, causing the tyrosine (Y) at amino acid position 64 to be replaced by a serine (S) and the alanine (A) at amino acid position 66 to be replaced by a serine (S). This variant was not reported in population-based cohorts in the Genome Aggregation Database (gnomAD). These amino acid positions are highly conserved in available vertebrate species. Based on internal structural analysis, this variant is anticipated to disrupt a region of known function (Lu, 2018; Kano, 2019; Pantsar, 2020; Ambry internal data). This alteration is predicted to be deleterious by in silico analysis (Choi, 2012). Based on the available evidence, this alteration is classified as likely pathogenic.

Literature cited by the submitters: PubMed 29235861; PubMed 30644389; PubMed 31988705.

NM_004985.5(KRAS):c.191_196delinsCCAGTT (p.Tyr64_Ala66delinsSerSerSer)

Gene: KRAS (KRAS proto-oncogene, GTPase; minus strand). Cytogenetic location: 12p12.1.
Variant type: Indel.
Coding change: c.191_196delinsCCAGTT on transcript NM_004985.5 (MANE Select); coding-DNA positions 191 to 196, ACAGTG replaced by CCAGTT.
Protein change: p.Tyr64_Ala66delinsSerSerSer.
Molecular consequence: missense variant.
Genome position (GRCh38, 1-based): chr12:25,227,328-25,227,333, CACTGT replaced by AACTGG on the plus strand (ACAGTG replaced by CCAGTT on the coding strand, the reverse complement: KRAS is on the minus strand). VCF-style: chr12-25227328-CACTGT-AACTGG. GRCh37 (hg19) VCF-style: chr12-25380262-CACTGT-AACTGG.
Other names: c.191_196delinsCCAGTT, p.Tyr64_Ala66delinsSerSerSer (NM_001369786.1, NM_001369787.1, NM_033360.4).
Identifiers: ClinVar variation 4839095 (VCV004839095.1).
Genomic context (GRCh38, chr12:25,227,328, plus strand): 5'-TATTTATGGCAAATACACAAAGAAAGCCCTCCCCAGTCCTCATGTACTGGTCCCTCATTG[CACTGT>AACTGG]ACTCCTCTTGACCTGCTGTGTCGAGAATATCCAAGAGACAGGTTTCTCCATCAATTACTA-3'